The following is an entry in ClinVar:

ClinVar aggregate classification (germline): Likely benign. Review status: criteria provided, multiple submitters, no conflicts (2 of 4 stars). 2 submissions from 2 submitters: Likely benign (2). Last evaluated 2026-08-12.

Conditions:
A2ML1-related disorder. Also called: A2ML1-related condition.

Submissions (2):

PreventionGenetics, part of Exact Sciences
Classification: Likely benign for A2ML1-related condition. Last evaluated: 2026-08-12. Review status: criteria provided, single submitter. Criteria: ACMG Guidelines, 2015. Collection method: clinical testing. Allele origin: germline.
Comment: This variant is classified as likely benign based on ACMG/AMP sequence variant interpretation guidelines (Richards et al. 2015 PMID: 25741868, with internal and published modifications).

Labcorp Genetics (formerly Invitae), Labcorp
Classification: Likely benign. Last evaluated: 2026-01-26. Review status: criteria provided, single submitter. Criteria: Invitae Variant Classification Sherloc (09022015). Collection method: clinical testing. Allele origin: germline.

NM_144670.6(A2ML1):c.246+8_246+9del

Genes: A2ML1 (alpha-2-macroglobulin like 1; plus strand), A2ML1-AS1 (A2ML1 antisense RNA 1; minus strand). Cytogenetic location: 12p13.31.
Variant type: Microsatellite.
Coding change: c.246+8_246+9del on transcript NM_144670.6 (MANE Select); bases 8 to 9 of the intron after coding-DNA position 246, 2 bases deleted (CA; older notation c.246+8_246+9delCA).
Molecular consequence: intron variant.
Genome position (GRCh38, 1-based): chr12:8,823,373-8,823,374, CA deleted; deleting any 2 consecutive bases within chr12:8,823,371-8,823,374 gives the same sequence; the c. name uses the placement nearest the transcript's 3' end. VCF-style (leftmost placement, unchanged base first): chr12-8823370-GCA-G. GRCh37 (hg19) VCF-style: chr12-8975966-GCA-G.
Other names: c.246+8_246+9delCA (NM_144670.5).
Identifiers: ClinVar variation 695655 (VCV000695655.14), dbSNP rs771893464, ClinGen allele CA6435198.